The following is an entry in ClinVar:

ClinVar aggregate classification (germline): Uncertain significance. Review status: criteria provided, multiple submitters, no conflicts (2 of 4 stars). 2 submissions from 2 submitters: Uncertain significance (2). Last evaluated 2023-05-30.

Conditions:
Cardiovascular phenotype. Identifiers: MedGen CN230736.

Allele frequency attached by ClinVar (database versions not stated): TOPMed 0.00001.

Submissions (2):

GeneDx
Classification: Uncertain significance. Last evaluated: 2023-05-30. Review status: criteria provided, single submitter. Criteria: GeneDx Variant Classification Process June 2021. Collection method: clinical testing. Allele origin: germline. Affected: yes.
Comment: Has not been previously published as pathogenic or benign to our knowledge; Not observed at significant frequency in large population cohorts (gnomAD); In silico analysis suggests this variant may impact gene splicing. In the absence of RNA/functional studies, the actual effect of this sequence change is unknown.

Ambry Genetics
Classification: Uncertain significance for Cardiovascular phenotype. Last evaluated: 2020-09-16. Review status: criteria provided, single submitter. Criteria: Ambry Variant Classification Scheme 2023. Collection method: clinical testing. Allele origin: germline.
Comment: The c.4746G>A variant (also known as p.E1582E), located in coding exon 28 of the FLNC gene, results from a G to A substitution at nucleotide position 4746. This nucleotide substitution does not change the glutamic acid at codon 1582. This nucleotide position is not well conserved in available vertebrate species. In addition, in silico splice site analysis for this alteration is inconclusive. Since supporting evidence is limited at this time, the clinical significance of this alteration remains unclear.

NM_001458.5(FLNC):c.4746G>A (p.Glu1582=)

Gene: FLNC (filamin C; plus strand). Cytogenetic location: 7q32.1.
Variant type: single nucleotide variant.
Coding change: c.4746G>A on transcript NM_001458.5 (MANE Select); coding-DNA position 4746, G replaced by A.
Protein change: p.Glu1582=; no amino-acid change (glutamic acid 1582 retained).
Molecular consequence: synonymous variant.
Genome position (GRCh38, 1-based): chr7:128,848,801, G>A. VCF-style: chr7-128848801-G-A. GRCh37 (hg19) VCF-style: chr7-128488855-G-A.
Other names: c.4746G>A, p.Glu1582= (NM_001127487.2).
Identifiers: ClinVar variation 1742801 (VCV001742801.3), dbSNP rs1417108770, ClinGen allele CA457848763.